The following is an entry in ClinVar:

NM_005751.5(AKAP9):c.3952+107C>T

Gene: AKAP9 (A-kinase anchoring protein 9; plus strand). Cytogenetic location: 7q21.2.
Variant type: single nucleotide variant.
Coding change: c.3952+107C>T on transcript NM_005751.5 (MANE Select); 107 bases into the intron after coding-DNA position 3952, C replaced by T.
Molecular consequence: intron variant.
Genome position (GRCh38, 1-based): chr7:92,022,459, C>T. VCF-style: chr7-92022459-C-T. GRCh37 (hg19) VCF-style: chr7-91651773-C-T.
Other names: c.3952+107C>T (NM_147185.3).
Identifiers: ClinVar variation 674483 (VCV000674483.1), dbSNP rs75375774, ClinGen allele CA161887910.

ClinVar aggregate classification (germline): Likely benign (1 of 4 stars; one submission).

Allele frequency attached by ClinVar (database versions not stated): gnomAD 0.03148; gnomAD exomes 0.03610; 1000 Genomes Project 30x 0.08339; 1000 Genomes Project 0.08746.
gnomAD v4.1: 26,474 of 782,370 alleles (3.4%); highest among the groups gnomAD compares: East Asian, 33%; 2,535 homozygotes.

Submission:

GeneDx
Classification: Likely benign. Last evaluated: 2018-06-19. Review status: criteria provided, single submitter. Criteria: GeneDx Variant Classification (06012015). Collection method: clinical testing. Allele origin: germline. Affected: yes.
Comment: This variant is considered likely benign or benign based on one or more of the following criteria: it is a conservative change, it occurs at a poorly conserved position in the protein, it is predicted to be benign by multiple in silico algorithms, and/or has population frequency not consistent with disease.